The following is an entry in ClinVar:

NM_178857.6(RP1L1):c.1035G>A (p.Arg345=)

Gene: RP1L1 (RP1 like 1). Cytogenetic location: 8p23.1.
Variant type: single nucleotide variant.
Coding change: c.1035G>A on transcript NM_178857.6 (MANE Select); coding-DNA position 1035, G replaced by A.
Protein change: p.Arg345=; no amino-acid change (arginine 345 retained).
Molecular consequence: synonymous variant.
Genome position (GRCh38, 1-based): chr8:10,613,063, C>T on the plus strand (G>A on the coding strand, the complement: RP1L1 is on the minus strand). VCF-style: chr8-10613063-C-T. GRCh37 (hg19) VCF-style: chr8-10470573-C-T.
Identifiers: ClinVar variation 910474 (VCV000910474.6), dbSNP rs73201157, ClinGen allele CA4625345.

ClinVar aggregate classification (germline): Benign/Likely benign. Review status: criteria provided, multiple submitters, no conflicts (2 of 4 stars). 3 submissions from 3 submitters: Benign (2); Likely benign (1). Last evaluated 2024-10-25.

Conditions:
Occult macular dystrophy (OCMD). Also called: OCCULT MACULAR DYSTROPHY, SUSCEPTIBILITY TO; OMD. Identifiers: Orphanet 247834, MedGen C3150833, MONDO:0013316, OMIM 613587, HP:0030636.

Allele frequency attached by ClinVar (database versions not stated): gnomAD exomes 0.00017 and 0.00049; ExAC 0.00023; TOPMed 0.00025; gnomAD 0.00027 and 0.00028; ESP Exome Variant Server 0.00047; 1000 Genomes Project 30x 0.00078; 1000 Genomes Project 0.00080.
gnomAD v4.1: 766 of 1,613,662 alleles (0.047%); highest among the groups gnomAD compares: Non-Finnish European, 0.061%; no homozygotes.

Submissions (3):

Blueprint Genetics
Classification: Likely benign. Last evaluated: 2024-10-25. Review status: criteria provided, single submitter. Criteria: ACMG Guidelines, 2015. Collection method: clinical testing. Allele origin: germline.

Illumina Laboratory Services, Illumina
Classification: Benign for Occult macular dystrophy. Last evaluated: 2018-01-12. Review status: criteria provided, single submitter. Criteria: ICSL Variant Classification Criteria 13 December 2019. Collection method: clinical testing. Allele origin: germline.
Comment: This variant was observed in the ICSL laboratory as part of a predisposition screen in an ostensibly healthy population. It had not been previously curated by ICSL or reported in the Human Gene Mutation Database (HGMD: prior to June 1st, 2018), and was therefore a candidate for classification through an automated scoring system. Utilizing variant allele frequency, disease prevalence and penetrance estimates, and inheritance mode, an automated score was calculated to assess if this variant is too frequent to cause the disease. Based on the score and internal cut-off values, a variant classified as benign is not then subjected to further curation. The score for this variant resulted in a classification of benign for this disease.

Breakthrough Genomics
Classification: Benign. Review status: criteria provided, single submitter. Criteria: ACMG Guidelines, 2015. Collection method: not provided. Allele origin: germline. Inheritance: Autosomal recessive inheritance. Affected: yes.